The following is an entry in ClinVar:

ClinVar aggregate classification (germline): Pathogenic (1 of 4 stars; one submission).

Conditions:
X-linked agammaglobulinemia with growth hormone deficiency (IGHD3). Also called: AGAMMAGLOBULINEMIA AND ISOLATED GROWTH HORMONE DEFICIENCY, X-LINKED; FLEISHER SYNDROME; HYPOGAMMAGLOBULINEMIA AND ISOLATED GROWTH HORMONE DEFICIENCY, X-LINKED; IGHD III; Isolated growth hormone deficiency type 3; Growth hormone deficiency with hypogammaglobulinemia. Identifiers: Orphanet 231692, Orphanet 631, MedGen C0472813, MONDO:0010615, OMIM 307200.

Submissions (2):

Labcorp Genetics (formerly Invitae), Labcorp
Classification: Pathogenic for X-linked agammaglobulinemia with growth hormone deficiency. Last evaluated: 2025-02-15. Review status: criteria provided, single submitter. Criteria: Invitae Variant Classification Sherloc (09022015). Collection method: clinical testing. Allele origin: germline.
Comment: This sequence change affects a donor splice site in intron 11 of the BTK gene. It is expected to disrupt RNA splicing. Variants that disrupt the donor or acceptor splice site typically lead to a loss of protein function (PMID: 16199547), and loss-of-function variants in BTK are known to be pathogenic (PMID: 15661032, 16862044, 19419768). This variant is not present in population databases (gnomAD no frequency). Disruption of this splice site has been observed in individual(s) with agammaglobulinemia (PMID: 12768435). Algorithms developed to predict the effect of sequence changes on RNA splicing suggest that this variant may disrupt the consensus splice site. For these reasons, this variant has been classified as Pathogenic.

Dr. Peter K. Rogan Lab, Western University
No classification provided (evidence only). Condition: Thyroid cancer, nonmedullary, 1. Review status: no classification provided. Collection method: in vitro. Allele origin: not applicable. Functional consequence: retained intron. Not counted in ClinVar's aggregate classification.

Literature cited by the submitters: PubMed 16199547 (cited by Labcorp Genetics (formerly Invitae), Labcorp); PubMed 15661032 (cited by Labcorp Genetics (formerly Invitae), Labcorp); PubMed 16862044 (cited by Labcorp Genetics (formerly Invitae), Labcorp); PubMed 19419768 (cited by Labcorp Genetics (formerly Invitae), Labcorp); PubMed 12768435 (cited by Labcorp Genetics (formerly Invitae), Labcorp).

NM_000061.3(BTK):c.974+1G>T

Gene: BTK (Bruton tyrosine kinase; minus strand). Cytogenetic location: Xq22.1.
Variant type: single nucleotide variant.
Coding change: c.974+1G>T on transcript NM_000061.3 (MANE Select); the canonical splice donor site of the intron after coding-DNA position 974, G replaced by T.
Molecular consequence: splice donor variant.
Genome position (GRCh38, 1-based): chrX:101,358,616, C>A on the plus strand (G>T on the coding strand, the complement: BTK is on the minus strand). VCF-style: chrX-101358616-C-A. GRCh37 (hg19) VCF-style: chrX-100613604-C-A.
Other names: NC_000023.10:g.100613604C>A; c.1076+1G>T (NM_001287344.2); c.974+1G>T (NM_001287345.2).
Identifiers: ClinVar variation 4461065 (VCV004461065.2).